The following is an entry in ClinVar:

NM_013275.6(ANKRD11):c.44_46dup (p.Leu15_Pro16insLeu)

Gene: ANKRD11 (ankyrin repeat domain 11; minus strand). Cytogenetic location: 16q24.3.
Variant type: Duplication.
Coding change: c.44_46dup on transcript NM_013275.6 (MANE Select); coding-DNA positions 44 to 46, 3 bases duplicated (TTC; older notation c.44_46dupTTC).
Protein change: p.Leu15_Pro16insLeu.
Molecular consequence: inframe insertion. On other transcripts: non-coding transcript variant (1).
Genome position (GRCh38, 1-based): chr16:89,316,974-89,316,976, GAA duplicated on the plus strand (TTC on the coding strand, the reverse complement: ANKRD11 is on the minus strand); duplicating any 3 consecutive bases within chr16:89,316,974-89,316,977 gives the same sequence; the c. name uses the placement nearest the transcript's 3' end. VCF-style (leftmost placement, unchanged base first): chr16-89316973-G-GGAA. GRCh37 (hg19) VCF-style: chr16-89383381-G-GGAA.
Other names: c.44_46dup, p.Leu15_Pro16insLeu (NM_001256182.2, NM_001256183.2).
Identifiers: ClinVar variation 2012506 (VCV002012506.4), dbSNP rs1309813586, ClinGen allele CA624233006.
Genomic context (GRCh38, chr16:89,316,973, plus strand): 5'-CTGGGAGGGGGCAGCATTACCTTTTTCCCAGTCTGCTTCTCCACCATGTCGCTGCTGAGG[G>GGAA]GAAGCTCTTCCTGCTGTGGTGCTTTAGGGCACCCACCCTTGGGCATCGTCCTGCTCCTCA-3'

ClinVar aggregate classification (germline): Uncertain significance (1 of 4 stars; one submission).

Conditions:
KBG syndrome (KBGS). Also called: ANKRD11-Related KBG Syndrome. Identifiers: Orphanet 2332, MedGen C0220687, MONDO:0007846, OMIM 148050.

Submission:

Labcorp Genetics (formerly Invitae), Labcorp
Classification: Uncertain significance for KBG syndrome. Last evaluated: 2022-07-01. Review status: criteria provided, single submitter. Criteria: Invitae Variant Classification Sherloc (09022015). Collection method: clinical testing. Allele origin: germline.
Comment: In summary, the available evidence is currently insufficient to determine the role of this variant in disease. Therefore, it has been classified as a Variant of Uncertain Significance. This variant has not been reported in the literature in individuals affected with ANKRD11-related conditions. This variant is present in population databases (no rsID available, gnomAD 0.003%). This variant, c.44_46dup, results in the insertion of 1 amino acid(s) of the ANKRD11 protein (p.Leu15dup), but otherwise preserves the integrity of the reading frame.